The following is an entry in ClinVar:

NM_000059.4(BRCA2):c.2836G>C (p.Asp946His)

Gene: BRCA2 (BRCA2 DNA repair associated; plus strand). Cytogenetic location: 13q13.1.
Variant type: single nucleotide variant.
Coding change: c.2836G>C on transcript NM_000059.4 (MANE Select); coding-DNA position 2836, G replaced by C.
Protein change: p.Asp946His; replaces aspartic acid 946 with histidine.
Molecular consequence: missense variant.
Genome position (GRCh38, 1-based): chr13:32,337,191, G>C. VCF-style: chr13-32337191-G-C. GRCh37 (hg19) VCF-style: chr13-32911328-G-C.
Other names: short protein forms D946H.
Identifiers: ClinVar variation 125996 (VCV000125996.24), dbSNP rs80358534, ClinGen allele CA016576.
Genomic context (GRCh38, chr13:32,337,191, plus strand): 5'-ACCATGGTTTTATATGGAGACACAGGTGATAAACAAGCAACCCAAGTGTCAATTAAAAAA[G>C]ATTTGGTTTATGTTCTTGCAGAGGAGAACAAAAATAGTGTAAAGCAGCATATAAAAATGA-3'
Protein context (NP_000050.3, residues 936-956): KQATQVSIKK[Asp946His]LVYVLAEENK

ClinVar aggregate classification (germline): Conflicting classifications of pathogenicity. Review status: criteria provided, conflicting classifications (1 of 4 stars). 7 submissions from 7 submitters: Uncertain significance (5); Likely benign (1). 1 of the submissions does not count toward it. Last evaluated 2025-11-05.

Conditions:
Hereditary cancer-predisposing syndrome. Also called: Hereditary Cancer Syndrome; Tumor predisposition; Neoplastic Syndromes, Hereditary; Hereditary neoplastic syndrome. Identifiers: Orphanet 140162, MedGen C0027672, MeSH D009386, MONDO:0015356.
Hereditary breast ovarian cancer syndrome. Also called: Hereditary breast and ovarian cancer syndrome; Hereditary breast and/or ovarian cancer syndrome; Hereditary breast and ovarian cancer; Hereditary breast and ovarian cancer syndrome (HBOC); Breast and ovarian cancer; BRCA1- and BRCA2-Associated Hereditary Breast and Ovarian Cancer. Identifiers: Orphanet 145, MedGen C0677776, MeSH D061325, MONDO:0003582. Disease mechanism: loss of function.
Breast-ovarian cancer, familial, susceptibility to, 2 (BROVCA2). Also called: BRCA2 Hereditary Breast and Ovarian Cancer. Identifiers: Orphanet 145, MedGen C2675520, MONDO:0012933, OMIM 612555. Disease mechanism: loss of function.

Allele frequency attached by ClinVar (database versions not stated): TOPMed below 0.00001; ExAC 0.00001.
gnomAD v4.1: 3 of 1,613,672 alleles (0.00019%); highest among the groups gnomAD compares: Non-Finnish European, 0.00025%; no homozygotes.

Submissions (7):

Labcorp Genetics (formerly Invitae), Labcorp
Classification: Uncertain significance for Hereditary breast ovarian cancer syndrome. Last evaluated: 2025-11-05. Review status: criteria provided, single submitter. Criteria: Invitae Variant Classification Sherloc (09022015). Collection method: clinical testing. Allele origin: germline.
Comment: This sequence change replaces aspartic acid, which is acidic and polar, with histidine, which is basic and polar, at codon 946 of the BRCA2 protein (p.Asp946His). This variant is present in population databases (rs80358534, gnomAD 0.0009%). This missense change has been observed in individual(s) with clinical features of BRCA2-related conditions (PMID: 10923033). ClinVar contains an entry for this variant (Variation ID: 125996). Invitae Evidence Modeling of protein sequence and biophysical properties (such as structural, functional, and spatial information, amino acid conservation, physicochemical variation, residue mobility, and thermodynamic stability) indicates that this missense variant is not expected to disrupt BRCA2 protein function with a negative predictive value of 95%. In summary, the available evidence is currently insufficient to determine the role of this variant in disease. Therefore, it has been classified as a Variant of Uncertain Significance.

Women's Health and Genetics/Laboratory Corporation of America, LabCorp
Classification: Uncertain significance. Last evaluated: 2025-08-11. Review status: criteria provided, single submitter. Criteria: LabCorp Variant Classification Summary - May 2015. Collection method: clinical testing. Allele origin: germline.
Comment: Variant summary: BRCA2 c.2836G>C (p.Asp946His) results in a non-conservative amino acid change in the encoded protein sequence. Algorithms developed to predict the effect of missense changes on protein structure and function are either unavailable or do not agree on the potential impact of this missense change. The variant allele was found at a frequency of 4e-06 in 250628 control chromosomes (gnomAD). The available data on variant occurrences in the general population are insufficient to allow any conclusion about variant significance. To our knowledge, no occurrence of c.2836G>C in individuals affected with Hereditary Breast And Ovarian Cancer Syndrome has been reported. At least one publication reports experimental evidence evaluating an impact on protein function (Biswas_2023). These results showed no damaging effect of this variant. The following publications have been ascertained in the context of this evaluation (PMID: 23929434, 37922907). ClinVar contains an entry for this variant (Variation ID: 125996). Based on the evidence outlined above, the variant was classified as uncertain significance.

GeneDx
Classification: Uncertain significance. Last evaluated: 2025-08-06. Review status: criteria provided, single submitter. Criteria: GeneDx Variant Classification Process June 2021. Collection method: clinical testing. Allele origin: germline.
Comment: Published functional studies demonstrate cell viability and drug sensitivity comparable to wild type in mouse embryonic stem cells (PMID: 37922907); In silico analysis supports that this missense variant has a deleterious effect on protein structure/function; Not observed at significant frequency in large population cohorts (gnomAD); Also known as 3064G>C; This variant is associated with the following publications: (PMID: 29884841, 32377563, 29625052, 36451132, 23929434, 26689913, 31853058, 37922907)

Ambry Genetics
Classification: Uncertain significance for Hereditary cancer-predisposing syndrome. Last evaluated: 2024-10-25. Review status: criteria provided, single submitter. Criteria: Ambry Variant Classification Scheme 2023. Collection method: clinical testing. Allele origin: germline.
Comment: The p.D946H variant (also known as c.2836G>C), located in coding exon 10 of the BRCA2 gene, results from a G to C substitution at nucleotide position 2836. The aspartic acid at codon 946 is replaced by histidine, an amino acid with similar properties. This amino acid position is not well conserved in available vertebrate species. In addition, this alteration is predicted to be tolerated by in silico analysis. Based on the available evidence, the clinical significance of this variant remains unclear.

University of Washington Department of Laboratory Medicine, University of Washington
Classification: Likely benign for Hereditary cancer-predisposing syndrome. Last evaluated: 2023-03-23. Review status: criteria provided, single submitter. Criteria: Dines et al. (Genet Med. 2020). Collection method: curation. Allele origin: germline.
Comment: Missense variant in a coldspot region where missense variants are very unlikely to be pathogenic (PMID:31911673).

BRCA2 exon 11 coldspot. Reclassification based on statistical prior probability.

Color Diagnostics, LLC DBA Color Health
Classification: Uncertain significance for Hereditary cancer-predisposing syndrome. Last evaluated: 2019-06-28. Review status: criteria provided, single submitter. Criteria: ACMG Guidelines, 2015. Collection method: clinical testing. Allele origin: germline.

Breast Cancer Information Core (BIC) (BRCA2)
Classification: Uncertain significance for Breast-ovarian cancer, familial 2. Last evaluated: 2003-12-23. Review status: no assertion criteria provided. Collection method: clinical testing. Allele origin: germline. Affected: yes. Observed: 1 variant allele. Not counted in ClinVar's aggregate classification.

Literature cited by the submitters: PubMed 10923033 (cited by Labcorp Genetics (formerly Invitae), Labcorp); PubMed 23929434 (cited by Women's Health and Genetics/Laboratory Corporation of America, LabCorp); PubMed 37922907 (cited by Women's Health and Genetics/Laboratory Corporation of America, LabCorp).